The following is an entry in ClinVar:

NM_005477.3(HCN4):c.1073T>C (p.Ile358Thr)

Genes: HCN4 (hyperpolarization activated cyclic nucleotide gated potassium channel 4; minus strand), LOC126862173 (CDK7 strongly-dependent group 2 enhancer GRCh37_chr15:73635762-73636961; plus strand), LOC105370890 (uncharacterized LOC105370890; plus strand). Cytogenetic location: 15q24.1.
Variant type: single nucleotide variant.
Coding change: c.1073T>C on transcript NM_005477.3 (MANE Select); coding-DNA position 1073, T replaced by C.
Protein change: p.Ile358Thr; replaces isoleucine 358 with threonine.
Molecular consequence: missense variant.
Genome position (GRCh38, 1-based): chr15:73,343,521, A>G on the plus strand (T>C on the coding strand, the complement: HCN4 is on the minus strand). VCF-style: chr15-73343521-A-G. GRCh37 (hg19) VCF-style: chr15-73635862-A-G.
Other names: short protein forms I358T.
Identifiers: ClinVar variation 1054529 (VCV001054529.12), dbSNP rs774060688, ClinGen allele CA7649373.

ClinVar aggregate classification (germline): Uncertain significance. Review status: criteria provided, multiple submitters, no conflicts (2 of 4 stars). 3 submissions from 3 submitters: Uncertain significance (3). Last evaluated 2024-10-11.

Conditions:
Cardiovascular phenotype. Identifiers: MedGen CN230736.
Sick sinus syndrome 2, autosomal dominant (SSS2). Also called: ATRIAL FIBRILLATION WITH BRADYARRHYTHMIA; SINUS BRADYCARDIA SYNDROME, FAMILIAL, AUTOSOMAL DOMINANT; SINUS NODE DISEASE, FAMILIAL, AUTOSOMAL DOMINANT; SICK SINUS SYNDROME 2; SICK SINUS SYNDROME 2 WITH OR WITHOUT CARDIAC NONCOMPACTION AND/OR ASCENDING AORTA DILATION. Identifiers: Orphanet 166282, MedGen C1834144, MONDO:0008102, OMIM 163800.
Brugada syndrome 8 (BRGDA8). Identifiers: Orphanet 130, MedGen C2751083, MONDO:0013148, OMIM 613123.

Allele frequency attached by ClinVar (database versions not stated): gnomAD exomes below 0.00001 and 0.00001; gnomAD 0.00001; TOPMed 0.00001; ExAC 0.00002.
gnomAD v4.1: 9 of 1,614,072 alleles (0.00056%); highest among the groups gnomAD compares: African/African-American, 0.0027%; no homozygotes.

Submissions (3):

Victorian Clinical Genetics Services, Murdoch Childrens Research Institute
Classification: Uncertain significance for Sick sinus syndrome 2, autosomal dominant. Last evaluated: 2024-10-11. Review status: criteria provided, single submitter. Criteria: ACMG Guidelines, 2015. Collection method: clinical testing. Allele origin: germline. Inheritance: Autosomal dominant inheritance.
Comment: Based on the classification scheme VCGS_Germline_v1.3.5, this variant is classified as VUS-3B. Following criteria are met: 0102 - Loss of function is a known mechanism of disease in this gene and is associated with sick sinus syndrome 2 (MIM#163800). Gain of function has also been reported, associated with inappropriate sinus tachycardia (PMID: 28182231). (I) 0107 - This gene is associated with autosomal dominant disease. (I) 0200 - Variant is predicted to result in a missense amino acid change from isoleucine to threonine. (I) 0251 - This variant is heterozygous. (I) 0302 - Variant is present in gnomAD (v4) <0.001 for a dominant condition (9 heterozygotes, 0 homozygotes). (SP) 0309 - An alternative amino acid change at the same position has been observed in gnomAD (v4; 1 heterozygote, 0 homozygotes). (I) 0501 - Missense variant consistently predicted to be damaging by multiple in silico tools or highly conserved with a major amino acid change. (SP) 0600 - Variant is located in the annotated ion transport protein domain (DECIPHER). (I) 0705 - No comparable missense variants have previous evidence for pathogenicity. (I) 0809 - Previous evidence of pathogenicity for this variant is inconclusive. This variant has been classified twice as a VUS by clinical laboratories in ClinVar. (I) 0905 - No published segregation evidence has been identified for this variant. (I) 1007 - No published functional evidence has been identified for this variant. (I) 1208 - Inheritance information for this variant is not currently available in this individual. (I) Legend: (SP) - Supporting pathogenic, (I) - Information, (SB) - Supporting benign

Ambry Genetics
Classification: Uncertain significance for Cardiovascular phenotype. Last evaluated: 2024-03-12. Review status: criteria provided, single submitter. Criteria: Ambry Variant Classification Scheme 2023. Collection method: clinical testing. Allele origin: germline.

Labcorp Genetics (formerly Invitae), Labcorp
Classification: Uncertain significance for Brugada syndrome 8. Last evaluated: 2023-06-28. Review status: criteria provided, single submitter. Criteria: Invitae Variant Classification Sherloc (09022015). Collection method: clinical testing. Allele origin: germline.
Comment: In summary, the available evidence is currently insufficient to determine the role of this variant in disease. Therefore, it has been classified as a Variant of Uncertain Significance. Advanced modeling of protein sequence and biophysical properties (such as structural, functional, and spatial information, amino acid conservation, physicochemical variation, residue mobility, and thermodynamic stability) has been performed at Invitae for this missense variant, however the output from this modeling did not meet the statistical confidence thresholds required to predict the impact of this variant on HCN4 protein function. ClinVar contains an entry for this variant (Variation ID: 1054529). This variant has not been reported in the literature in individuals affected with HCN4-related conditions. This variant is present in population databases (rs774060688, gnomAD 0.01%). This sequence change replaces isoleucine, which is neutral and non-polar, with threonine, which is neutral and polar, at codon 358 of the HCN4 protein (p.Ile358Thr).

Literature cited by the submitters: PubMed 28182231 (cited by Victorian Clinical Genetics Services, Murdoch Childrens Research Institute).